The following is an entry in ClinVar:

ClinVar aggregate classification (germline): Uncertain significance. Review status: reviewed by expert panel (3 of 4 stars). 3 submissions from 3 submitters: Uncertain significance (1). 2 of the submissions do not count toward it. Last evaluated 2024-02-15.

Conditions:
Athabaskan severe combined immunodeficiency (SCIDA). Also called: Severe combined immunodeficiency, athabascan-type. Identifiers: MedGen C1865370.
Severe combined immunodeficiency due to DCLRE1C deficiency (RS-SCID). Also called: SCID, AUTOSOMAL RECESSIVE, T CELL-NEGATIVE, B CELL-NEGATIVE, NK CELL-POSITIVE, WITH SENSITIVITY TO IONIZING RADIATION. Identifiers: Orphanet 275, MedGen C1865371, MONDO:0011225, OMIM 602450.

Allele frequency attached by ClinVar (database versions not stated): gnomAD 0.00001; TOPMed below 0.00001; gnomAD exomes 0.00001.
gnomAD v4.1: 9 of 1,612,534 alleles (0.00056%); highest among the groups gnomAD compares: East Asian, 0.0045%; no homozygotes.

Submissions (3):

ClinGen Severe Combined Immunodeficiency Variant Curation Expert Panel, ClinGen
Classification: Uncertain significance for Severe combined immunodeficiency due to DCLRE1C deficiency. Last evaluated: 2024-02-15. Review status: reviewed by expert panel. Criteria: ClinGen SCID ACMG Specifications DCLRE1C V1.0.0. Collection method: curation. Allele origin: germline. Inheritance: Autosomal recessive inheritance.
Comment: The c.315G>C (NM_001033855.3) variant in DCLRE1C is a missense variant predicted to cause the substitution of Glutamic Acid by Aspartic Acid at amino acid 105 (p.Glu105Asp). The filtering allele frequency (the upper threshold of the 95% CI of 2/44874) of the c.315G>C variant in DCLRE1C is 0.000008350 for East Asian chromosomes by gnomAD v4 which is lower than the ClinGen SCID VCEP threshold (<0.00003266) for PM2_Supporting, and therefore meets this criterion (PM2_Supporting). No homozygotes have been observed in gnomAD. To our knowledge, this variant has not been reported in the literature in individuals affected with DCLRE1C-related conditions or in functional studies. In summary, this variant meets the criteria to be classified as a variant of uncertain significance for autosomal recessive severe combined immunodeficiency due to DCLRE1C deficiency based on the ACMG/AMP criteria applied, as specified by the ClinGen SCID VCEP: PM2_Supporting (VCEP specifications version 1).

Labcorp Genetics (formerly Invitae), Labcorp
Classification: Uncertain significance for Athabaskan severe combined immunodeficiency. Last evaluated: 2021-08-27. Review status: criteria provided, single submitter. Criteria: Invitae Variant Classification Sherloc (09022015). Collection method: clinical testing. Allele origin: germline. Not counted in ClinVar's aggregate classification.
Comment: This sequence change replaces glutamic acid with aspartic acid at codon 105 of the DCLRE1C protein (p.Glu105Asp). The glutamic acid residue is weakly conserved and there is a small physicochemical difference between glutamic acid and aspartic acid. This variant is not present in population databases (ExAC no frequency). This variant has not been reported in the literature in individuals affected with DCLRE1C-related conditions. Algorithms developed to predict the effect of missense changes on protein structure and function output the following: SIFT: "Tolerated"; PolyPhen-2: "Benign"; Align-GVGD: "Class C0". The aspartic acid amino acid residue is found in multiple mammalian species, which suggests that this missense change does not adversely affect protein function. In summary, the available evidence is currently insufficient to determine the role of this variant in disease. Therefore, it has been classified as a Variant of Uncertain Significance.

Natera, Inc.
Classification: Uncertain significance for Athabascan severe combined immunodeficiency. Last evaluated: 2025-03-19. Review status: no assertion criteria provided. Collection method: clinical testing. Allele origin: germline. Not counted in ClinVar's aggregate classification.

NM_001033855.3(DCLRE1C):c.315G>C (p.Glu105Asp)

Gene: DCLRE1C (DNA cross-link repair 1C; minus strand). Cytogenetic location: 10p13.
Variant type: single nucleotide variant.
Coding change: c.315G>C on transcript NM_001033855.3 (MANE Select); coding-DNA position 315, G replaced by C.
Protein change: p.Glu105Asp; replaces glutamic acid 105 with aspartic acid.
Molecular consequence: missense variant. On other transcripts: 5 prime UTR variant (5), non-coding transcript variant (3), intron variant (4).
Genome position (GRCh38, 1-based): chr10:14,936,585, C>G on the plus strand (G>C on the coding strand, the complement: DCLRE1C is on the minus strand). VCF-style: chr10-14936585-C-G. GRCh37 (hg19) VCF-style: chr10-14978584-C-G.
Other names: NM_001033855.3(DCLRE1C):c.315G>C; p.Glu105Asp; c.-46G>C (NM_001033857.3, NM_001033858.3, NM_001289077.2 and 2 more transcripts); c.315G>C, p.Glu105Asp (NM_001350965.2); c.18-1021G>C (NM_001350966.2, NM_001289078.2, NM_001289076.2 and 1 more transcripts); short protein forms E105D.
Identifiers: ClinVar variation 847561 (VCV000847561.8), dbSNP rs1477434785, ClinGen allele CA376061249.